The following is an entry in ClinVar:

NM_005257.6(GATA6):c.1488G>T (p.Lys496Asn)

Gene: GATA6 (GATA binding protein 6; plus strand). Cytogenetic location: 18q11.2.
Variant type: single nucleotide variant.
Coding change: c.1488G>T on transcript NM_005257.6 (MANE Select); coding-DNA position 1488, G replaced by T.
Protein change: p.Lys496Asn; replaces lysine 496 with asparagine.
Molecular consequence: missense variant.
Genome position (GRCh38, 1-based): chr18:22,182,816, G>T. VCF-style: chr18-22182816-G-T. GRCh37 (hg19) VCF-style: chr18-19762777-G-T.
Other names: short protein forms K496N.
Identifiers: ClinVar variation 2706331 (VCV002706331.3), dbSNP rs2510632422, ClinGen allele CA401802693.
Genomic context (GRCh38, chr18:22,182,816, plus strand): 5'-GGTGCCCAGACCACTTGCTATGAAAAAAGAGGGAATTCAAACCAGGAAACGAAAACCTAA[G>T]AACATAAATAAATCAAAGACTTGCTCTGGTAAATATACTAAAATGACGTTTGACTGTAAA-3'
Protein context (NP_005248.2, residues 486-506): EGIQTRKRKP[Lys496Asn]NINKSKTCSG

ClinVar aggregate classification (germline): Uncertain significance (1 of 4 stars; one submission).

Conditions:
Atrioventricular septal defect 5 (AVSD5). Identifiers: MedGen C3280939, MONDO:0013769, OMIM 614474.

Submission:

Labcorp Genetics (formerly Invitae), Labcorp
Classification: Uncertain significance for Atrioventricular septal defect 5. Last evaluated: 2023-12-30. Review status: criteria provided, single submitter. Criteria: Invitae Variant Classification Sherloc (09022015). Collection method: clinical testing. Allele origin: germline.
Comment: This sequence change replaces lysine, which is basic and polar, with asparagine, which is neutral and polar, at codon 496 of the GATA6 protein (p.Lys496Asn). This variant is not present in population databases (gnomAD no frequency). This variant has not been reported in the literature in individuals affected with GATA6-related conditions. Advanced modeling of protein sequence and biophysical properties (such as structural, functional, and spatial information, amino acid conservation, physicochemical variation, residue mobility, and thermodynamic stability) performed at Invitae indicates that this missense variant is expected to disrupt GATA6 protein function with a positive predictive value of 80%. Algorithms developed to predict the effect of sequence changes on RNA splicing suggest that this variant may disrupt the consensus splice site. In summary, the available evidence is currently insufficient to determine the role of this variant in disease. Therefore, it has been classified as a Variant of Uncertain Significance.